The following is an entry in ClinVar:

NM_138576.4(BCL11B):c.2020_2021delinsTT (p.Ala674Leu)

Gene: BCL11B (BCL11 transcription factor B; minus strand). Cytogenetic location: 14q32.2.
Variant type: Indel.
Coding change: c.2020_2021delinsTT on transcript NM_138576.4 (MANE Select); coding-DNA positions 2020 to 2021, GC replaced by TT.
Protein change: p.Ala674Leu; replaces alanine 674 with leucine.
Molecular consequence: missense variant.
Genome position (GRCh38, 1-based): chr14:99,174,815-99,174,816, GC replaced by AA on the plus strand (GC replaced by TT on the coding strand, the reverse complement: BCL11B is on the minus strand). VCF-style: chr14-99174815-GC-AA. GRCh37 (hg19) VCF-style: chr14-99641152-GC-AA.
Other names: c.2017_2018delinsTT, p.Ala673Leu (NM_001282237.2); c.1804_1805delinsTT, p.Ala602Leu (NM_001282238.2); c.1807_1808delinsTT, p.Ala603Leu (NM_022898.3); c.2020_2021delGCinsTT (NM_138576.2); short protein forms A602L, A603L, A673L, A674L.
Identifiers: ClinVar variation 3629214 (VCV003629214.3).
Genomic context (GRCh38, chr14:99,174,815, plus strand): 5'-AGGTCCTTCTCCACCTTGATGCGCTTGGCGGCGCTGTTGAGCCCGGGGCTGGGCAGCGGC[GC>AA]GGGCTTGCGCGGGAAGAGCCCGGGGAAGGGCTCGGTGCCTGGCGCGAAGCCGCCCCCGCG-3'
Protein context (NP_612808.1, residues 664-684): PFPGLFPRKP[Ala674Leu]PLPSPGLNSA

ClinVar aggregate classification (germline): Uncertain significance. Review status: criteria provided, multiple submitters, no conflicts (2 of 4 stars). 2 submissions from 2 submitters: Uncertain significance (2). Last evaluated 2025-08-05.

Conditions:
Inborn genetic diseases. Identifiers: MedGen C0950123, MeSH D030342.

Submissions (2):

Ambry Genetics
Classification: Uncertain significance for Inborn genetic diseases. Last evaluated: 2025-08-05. Review status: criteria provided, single submitter. Criteria: Ambry Variant Classification Scheme 2023. Collection method: clinical testing. Allele origin: germline.
Comment: The c.2020_2021delGCinsTT (p.A674L) alteration, located in exon 4 (coding exon 4) of the BCL11B gene, consists of an in-frame substitution of 2 nucleotides from position 2020 to 2021, resulting in the insertion of 1 residue. Based on insufficient or conflicting evidence, the clinical significance of this alteration remains unclear.

Labcorp Genetics (formerly Invitae), Labcorp
Classification: Uncertain significance. Last evaluated: 2025-02-23. Review status: criteria provided, single submitter. Criteria: Invitae Variant Classification Sherloc (09022015). Collection method: clinical testing. Allele origin: germline.
Comment: This sequence change replaces alanine, which is neutral and non-polar, with leucine, which is neutral and non-polar, at codon 674 of the BCL11B protein (p.Ala674Leu). This variant is present in population databases (no rsID available, gnomAD 0.001%). This variant has not been reported in the literature in individuals affected with BCL11B-related conditions. An algorithm developed to predict the effect of missense changes on protein structure and function (PolyPhen-2) suggests that this variant is likely to be tolerated. In summary, the available evidence is currently insufficient to determine the role of this variant in disease. Therefore, it has been classified as a Variant of Uncertain Significance.